The following is an entry in ClinVar:

NM_001018115.3(FANCD2):c.2845G>T (p.Glu949Ter)

Genes: FANCD2 (FA complementation group D2; plus strand), LOC107303338 (3p25 FANCD2 Alu-mediated recombination region; plus strand). Cytogenetic location: 3p25.3.
Variant type: single nucleotide variant.
Coding change: c.2845G>T on transcript NM_001018115.3 (MANE Select); coding-DNA position 2845, G replaced by T.
Protein change: p.Glu949Ter; replaces glutamic acid 949 with a stop codon.
Molecular consequence: nonsense.
Genome position (GRCh38, 1-based): chr3:10,074,659, G>T. VCF-style: chr3-10074659-G-T. GRCh37 (hg19) VCF-style: chr3-10116343-G-T.
Other names: c.2845G>T, p.Glu949Ter (NM_001319984.2, NM_001374254.1, NM_033084.6); c.2734G>T, p.Glu912Ter (NM_001374253.1); short protein forms E912*, E949*.
Identifiers: ClinVar variation 1075925 (VCV001075925.9), dbSNP rs762724830, ClinGen allele CA2250199.

ClinVar aggregate classification (germline): Pathogenic/Likely pathogenic. Review status: criteria provided, multiple submitters, no conflicts (2 of 4 stars). 2 submissions from 2 submitters: Pathogenic (1); Likely pathogenic (1). Last evaluated 2024-03-19.

Conditions:
Fanconi anemia (FA). Also called: Fanconi's anemia. Identifiers: Orphanet 84, MedGen C0015625, MeSH D005199, MONDO:0019391.
Fanconi anemia complementation group D2. Also called: FANCONI PANCYTOPENIA, TYPE 4; FANCONI ANEMIA, COMPLEMENTATION GROUP D; FANCD2-Related Fanconi Anemia. Identifiers: Orphanet 84, MedGen C3160738, MONDO:0009214, OMIM 227646.

Allele frequency attached by ClinVar (database versions not stated): gnomAD exomes below 0.00001; ExAC 0.00001.
gnomAD v4.1: 2 of 1,613,736 alleles (0.00012%); highest among the groups gnomAD compares: Admixed American, 0.0033%; no homozygotes.

Submissions (2):

Fulgent Genetics
Classification: Likely pathogenic for Fanconi anemia complementation group D2. Last evaluated: 2024-03-19. Review status: criteria provided, single submitter. Criteria: ACMG Guidelines, 2015. Collection method: clinical testing. Allele origin: germline.

Labcorp Genetics (formerly Invitae), Labcorp
Classification: Pathogenic for Fanconi anemia. Last evaluated: 2023-05-18. Review status: criteria provided, single submitter. Criteria: Invitae Variant Classification Sherloc (09022015). Collection method: clinical testing. Allele origin: germline.
Comment: This sequence change creates a premature translational stop signal (p.Glu949*) in the FANCD2 gene. It is expected to result in an absent or disrupted protein product. Loss-of-function variants in FANCD2 are known to be pathogenic (PMID: 17436244). This variant is present in population databases (rs762724830, gnomAD 0.003%). This variant has not been reported in the literature in individuals affected with FANCD2-related conditions. ClinVar contains an entry for this variant (Variation ID: 1075925). For these reasons, this variant has been classified as Pathogenic.

Literature cited by the submitters: PubMed 17436244 (cited by Labcorp Genetics (formerly Invitae), Labcorp).